The following is an entry in ClinVar:

NM_001376.5(DYNC1H1):c.11720A>G (p.His3907Arg)

Gene: DYNC1H1 (dynein cytoplasmic 1 heavy chain 1; plus strand). Cytogenetic location: 14q32.31.
Variant type: single nucleotide variant.
Coding change: c.11720A>G on transcript NM_001376.5 (MANE Select); coding-DNA position 11720, A replaced by G.
Protein change: p.His3907Arg; replaces histidine 3907 with arginine.
Molecular consequence: missense variant.
Genome position (GRCh38, 1-based): chr14:102,040,265, A>G. VCF-style: chr14-102040265-A-G. GRCh37 (hg19) VCF-style: chr14-102506602-A-G.
Other names: short protein forms H3907R.
Identifiers: ClinVar variation 3636182 (VCV003636182.2).

ClinVar aggregate classification (germline): Uncertain significance (1 of 4 stars; one submission).

Conditions:
Charcot-Marie-Tooth disease axonal type 2O. Also called: Charcot-Marie-Tooth disease, axonal, type 20; CHARCOT-MARIE-TOOTH NEUROPATHY, AXONAL, TYPE 2O; CHARCOT-MARIE-TOOTH DISEASE, AXONAL, AUTOSOMAL DOMINANT, TYPE 2O; Charcot-Marie-Tooth Neuropathy Type 2O. Identifiers: Orphanet 284232, MedGen C3280220, MONDO:0013644, OMIM 614228.

Submission:

Labcorp Genetics (formerly Invitae), Labcorp
Classification: Uncertain significance for Charcot-Marie-Tooth disease axonal type 2O. Last evaluated: 2024-04-09. Review status: criteria provided, single submitter. Criteria: Invitae Variant Classification Sherloc (09022015). Collection method: clinical testing. Allele origin: germline.
Comment: This sequence change replaces histidine, which is basic and polar, with arginine, which is basic and polar, at codon 3907 of the DYNC1H1 protein (p.His3907Arg). This variant is not present in population databases (gnomAD no frequency). This variant has not been reported in the literature in individuals affected with DYNC1H1-related conditions. Advanced modeling of protein sequence and biophysical properties (such as structural, functional, and spatial information, amino acid conservation, physicochemical variation, residue mobility, and thermodynamic stability) performed at Invitae indicates that this missense variant is not expected to disrupt DYNC1H1 protein function with a negative predictive value of 95%. In summary, the available evidence is currently insufficient to determine the role of this variant in disease. Therefore, it has been classified as a Variant of Uncertain Significance.